The following is an entry in ClinVar:

ClinVar aggregate classification (germline): Pathogenic/Likely pathogenic. Review status: criteria provided, multiple submitters, no conflicts (2 of 4 stars). 3 submissions from 3 submitters: Pathogenic (2); Likely pathogenic (1). Last evaluated 2023-07-27.

Conditions:
MYO15A-related disorder. Also called: MYO15A-related condition.
Autosomal recessive nonsyndromic hearing loss 3. Also called: NEUROSENSORY NONSYNDROMIC RECESSIVE DEAFNESS 3. Identifiers: Orphanet 90636, MedGen C1838263, MONDO:0010860, OMIM 600316.

Submissions (3):

Blueprint Genetics
Classification: Likely pathogenic for MYO15A-related disorders. Last evaluated: 2023-07-27. Review status: criteria provided, single submitter. Criteria: ACMG Guidelines, 2015. Collection method: clinical testing. Allele origin: germline. Affected: yes. Observed: 3 variant alleles.

Labcorp Genetics (formerly Invitae), Labcorp
Classification: Pathogenic. Last evaluated: 2023-02-08. Review status: criteria provided, single submitter. Criteria: Invitae Variant Classification Sherloc (09022015). Collection method: clinical testing. Allele origin: germline.
Comment: For these reasons, this variant has been classified as Pathogenic. This variant has not been reported in the literature in individuals affected with MYO15A-related conditions. This sequence change creates a premature translational stop signal (p.His700Profs*25) in the MYO15A gene. It is expected to result in an absent or disrupted protein product. Loss-of-function variants in MYO15A are known to be pathogenic (PMID: 17546645). This variant is not present in population databases (gnomAD no frequency).

Juno Genomics, Hangzhou Juno Genomics, Inc
Classification: Pathogenic for Autosomal recessive nonsyndromic hearing loss 3. Review status: criteria provided, single submitter. Criteria: ACMG Guidelines, 2015. Collection method: clinical testing. Allele origin: germline. Affected: yes.
Comment: Null variant in a gene where loss of function (LOF) is a known mechanism of disease.;Absent from controls (or at extremely low frequency if recessive) in Genome Aggregation Database.;For recessive disorders, detected in trans with a pathogenic variant.

Literature cited by the submitters: PubMed 17546645 (cited by Labcorp Genetics (formerly Invitae), Labcorp).

NM_016239.4(MYO15A):c.2099_2108del (p.His700fs)

Gene: MYO15A (myosin XVA; plus strand). Cytogenetic location: 17p11.2.
Variant type: Deletion.
Coding change: c.2099_2108del on transcript NM_016239.4 (MANE Select); coding-DNA positions 2099 to 2108, 10 bases deleted (ACCCGCCGCC; older notation c.2099_2108delACCCGCCGCC).
Protein change: p.His700fs; shifts the reading frame from histidine 700.
Molecular consequence: frameshift variant.
Genome position (GRCh38, 1-based): chr17:18,120,899-18,120,908, ACCCGCCGCC deleted; deleting any 10 consecutive bases within chr17:18,120,891-18,120,908 gives the same sequence; the c. name uses the placement nearest the transcript's 3' end. VCF-style (leftmost placement, unchanged base first): chr17-18120890-TCCGCCGCCAC-T. GRCh37 (hg19) VCF-style: chr17-18024204-TCCGCCGCCAC-T.
Other names: short protein forms H700fs.
Identifiers: ClinVar variation 3003004 (VCV003003004.5), dbSNP rs2545184821, ClinGen allele CA2636436595.